The following is an entry in ClinVar:

ClinVar aggregate classification (germline): Likely benign (1 of 4 stars; one submission).

Allele frequency attached by ClinVar (database versions not stated): TOPMed 0.00005; ExAC 0.00006; gnomAD 0.00006; 1000 Genomes Project 30x 0.00016; 1000 Genomes Project 0.00020.
gnomAD v4.1: 74 of 1,613,916 alleles (0.0046%); highest among the groups gnomAD compares: South Asian, 0.013%; no homozygotes.

Submission:

CeGaT Center for Human Genetics Tuebingen
Classification: Likely benign. Last evaluated: 2024-02-01. Review status: criteria provided, single submitter. Criteria: CeGaT Center For Human Genetics Tuebingen Variant Classification Criteria Version 2. Collection method: clinical testing. Allele origin: germline. Affected: yes. Observed: 1 variant allele.
Comment: PCDH9: BP4, BP7

NM_203487.3(PCDH9):c.1002C>T (p.Asp334=)

Gene: PCDH9 (protocadherin 9; minus strand). Cytogenetic location: 13q21.32.
Variant type: single nucleotide variant.
Coding change: c.1002C>T on transcript NM_203487.3 (MANE Select); coding-DNA position 1002, C replaced by T.
Protein change: p.Asp334=; no amino-acid change (aspartic acid 334 retained).
Molecular consequence: synonymous variant.
Genome position (GRCh38, 1-based): chr13:67,227,439, G>A on the plus strand (C>T on the coding strand, the complement: PCDH9 is on the minus strand). VCF-style: chr13-67227439-G-A. GRCh37 (hg19) VCF-style: chr13-67801571-G-A.
Other names: c.1002C>T, p.Asp334= (NM_001318372.2, NM_001318373.2, NM_001318374.2 and 1 more transcripts).
Identifiers: ClinVar variation 3025846 (VCV003025846.22), dbSNP rs200760769, ClinGen allele CA6998858.